The following is an entry in ClinVar:

NM_016222.4(DDX41):c.563T>G (p.Phe188Cys)

Gene: DDX41 (DEAD-box helicase 41; minus strand). Cytogenetic location: 5q35.3.
Variant type: single nucleotide variant.
Coding change: c.563T>G on transcript NM_016222.4 (MANE Select); coding-DNA position 563, T replaced by G.
Protein change: p.Phe188Cys; replaces phenylalanine 188 with cysteine.
Molecular consequence: missense variant.
Genome position (GRCh38, 1-based): chr5:177,515,693, A>C on the plus strand (T>G on the coding strand, the complement: DDX41 is on the minus strand). VCF-style: chr5-177515693-A-C. GRCh37 (hg19) VCF-style: chr5-176942694-A-C.
Other names: c.185T>G, p.Phe62Cys (NM_001321732.2, NM_001321830.2); short protein forms F188C, F62C.
Identifiers: ClinVar variation 4238778 (VCV004238778.1).
Genomic context (GRCh38, chr5:177,515,693, plus strand): 5'-TCACAGGCATTTGATTATAAAAGTGTGGTATCTCTCTCCAGCCCCTGACTACCTGCAGGA[A>C]ACTTCATTTCCTTGAAGCTCTTGATGGGTGGTGGGATACCGTCTCCCTCCACCAGGATGT-3'
Protein context (NP_057306.2, residues 178-198): PPIKSFKEMK[Phe188Cys]PAAILRGLKK

ClinVar aggregate classification (germline): Uncertain significance (1 of 4 stars; one submission).

Conditions:
Inborn genetic diseases. Identifiers: MedGen C0950123, MeSH D030342.

gnomAD v4.1: 1 of 1,614,038 alleles (0.000062%); highest among the groups gnomAD compares: Non-Finnish European, 0.000085%; no homozygotes.

Submission:

Ambry Genetics
Classification: Uncertain significance for Inborn genetic diseases. Last evaluated: 2025-07-25. Review status: criteria provided, single submitter. Criteria: Ambry Variant Classification Scheme 2023. Collection method: clinical testing. Allele origin: germline.
Comment: The p.F188C variant (also known as c.563T>G), located in coding exon 6 of the DDX41 gene, results from a T to G substitution at nucleotide position 563. The phenylalanine at codon 188 is replaced by cysteine, an amino acid with highly dissimilar properties. This amino acid position is conserved. In addition, this alteration is predicted to be tolerated by in silico analysis. Based on the available evidence, the clinical significance of this variant remains unclear.